The following is an entry in ClinVar:

ClinVar aggregate classification (germline): Uncertain significance (1 of 4 stars; one submission).

gnomAD v4.1: 2 of 1,606,524 alleles (0.00012%); highest among the groups gnomAD compares: Non-Finnish European, 0.000085%; no homozygotes.

Submission:

Labcorp Genetics (formerly Invitae), Labcorp
Classification: Uncertain significance. Last evaluated: 2022-11-28. Review status: criteria provided, single submitter. Criteria: Invitae Variant Classification Sherloc (09022015). Collection method: clinical testing. Allele origin: germline.
Comment: This sequence change creates a premature translational stop signal (p.Arg425*) in the ITGAM gene. It is expected to result in an absent or disrupted protein product. However, the current clinical and genetic evidence is not sufficient to establish whether loss-of-function variants in ITGAM cause disease. This variant is not present in population databases (gnomAD no frequency). This variant has not been reported in the literature in individuals affected with ITGAM-related conditions. In summary, the available evidence is currently insufficient to determine the role of this variant in disease. Therefore, it has been classified as a Variant of Uncertain Significance.

NM_000632.4(ITGAM):c.1273C>T (p.Arg425Ter)

Gene: ITGAM (integrin subunit alpha M; plus strand). Cytogenetic location: 16p11.2.
Variant type: single nucleotide variant.
Coding change: c.1273C>T on transcript NM_000632.4 (MANE Select); coding-DNA position 1273, C replaced by T.
Protein change: p.Arg425Ter; replaces arginine 425 with a stop codon.
Molecular consequence: nonsense.
Genome position (GRCh38, 1-based): chr16:31,278,026, C>T. VCF-style: chr16-31278026-C-T. GRCh37 (hg19) VCF-style: chr16-31289347-C-T.
Other names: c.1273C>T, p.Arg425Ter (NM_001145808.2); short protein forms R425*.
Identifiers: ClinVar variation 1934819 (VCV001934819.5), dbSNP rs769212075, ClinGen allele CA395702139.